The following is an entry in ClinVar:

NM_002528.7(NTHL1):c.379T>A (p.Ser127Thr)

Gene: NTHL1 (nth like DNA glycosylase 1; minus strand). Cytogenetic location: 16p13.3.
Variant type: single nucleotide variant.
Coding change: c.379T>A on transcript NM_002528.7 (MANE Select); coding-DNA position 379, T replaced by A.
Protein change: p.Ser127Thr; replaces serine 127 with threonine.
Molecular consequence: missense variant. On other transcripts: intron variant (1).
Genome position (GRCh38, 1-based): chr16:2,044,776, A>T on the plus strand (T>A on the coding strand, the complement: NTHL1 is on the minus strand). VCF-style: chr16-2044776-A-T. GRCh37 (hg19) VCF-style: chr16-2094777-A-T.
Other names: c.49T>A, p.Ser17Thr (NM_001318194.2); c.355-1050T>A (NM_001318193.2); short protein forms S127T, S17T.
Identifiers: ClinVar variation 1008708 (VCV001008708.7), dbSNP rs2084319616, ClinGen allele CA394294691.
Genomic context (GRCh38, chr16:2,044,776, plus strand): 5'-GCAGTCGCTGCATGGCGCCCGCCGTCACCTGGTCTTTGGTTTGGCTGGAGAGCATCAGTG[A>T]CAGCAGCACCTGGTACCTGCGTACCTGCTTGTGCAGTGACAGGGACCGGGGTGGCGGCGG-3'
Protein context (NP_002519.2, residues 117-137): PKVRRYQVLL[Ser127Thr]LMLSSQTKDQ

ClinVar aggregate classification (germline): Uncertain significance (1 of 4 stars; one submission).

Submission:

Labcorp Genetics (formerly Invitae), Labcorp
Classification: Uncertain significance. Last evaluated: 2020-04-02. Review status: criteria provided, single submitter. Criteria: Invitae Variant Classification Sherloc (09022015). Collection method: clinical testing. Allele origin: germline.
Comment: This variant has not been reported in the literature in individuals with NTHL1-related conditions. In summary, the available evidence is currently insufficient to determine the role of this variant in disease. Therefore, it has been classified as a Variant of Uncertain Significance. Algorithms developed to predict the effect of missense changes on protein structure and function are either unavailable or do not agree on the potential impact of this missense change (SIFT: "Tolerated"; PolyPhen-2: "Possibly Damaging"; Align-GVGD: "Class C0"). This variant is not present in population databases (ExAC no frequency). This sequence change replaces serine with threonine at codon 135 of the NTHL1 protein (p.Ser135Thr). The serine residue is moderately conserved and there is a small physicochemical difference between serine and threonine.